The following is an entry in ClinVar:

NM_001165963.4(SCN1A):c.2416-6T>G

Gene: SCN1A (sodium voltage-gated channel alpha subunit 1; minus strand). Cytogenetic location: 2q24.3.
Variant type: single nucleotide variant.
Coding change: c.2416-6T>G on transcript NM_001165963.4 (MANE Select); 6 bases into the intron before coding-DNA position 2416, T replaced by G.
Molecular consequence: intron variant.
Genome position (GRCh38, 1-based): chr2:166,039,602, A>C on the plus strand (T>G on the coding strand, the complement: SCN1A is on the minus strand). VCF-style: chr2-166039602-A-C. GRCh37 (hg19) VCF-style: chr2-166896112-A-C.
Other names: c.2383-6T>G (NM_001353949.2, NM_001353950.2, NM_001353951.2 and 2 more transcripts); c.2332-6T>G (NM_001353958.2, NM_001353957.2, NM_001165964.3); c.2416-6T>G (NM_001202435.3, NM_001353948.2); c.2380-6T>G (NM_001353955.2, NM_001353954.2); c.2329-6T>G (NM_001353960.2); c.-27-6T>G (NM_001353961.2).
Identifiers: ClinVar variation 1406358 (VCV001406358.9), dbSNP rs2105817829, ClinGen allele CA2573133503.

ClinVar aggregate classification (germline): Uncertain significance (1 of 4 stars; one submission).

Conditions:
Early-infantile DEE. Also called: Ohtahara syndrome; Early infantile epileptic encephalopathy with suppression bursts; Early infantile epileptic encephalopathy. Identifiers: Orphanet 1934, MedGen C0393706, MONDO:0800491.

Submission:

Labcorp Genetics (formerly Invitae), Labcorp
Classification: Uncertain significance for Early-infantile DEE. Last evaluated: 2024-11-11. Review status: criteria provided, single submitter. Criteria: Invitae Variant Classification Sherloc (09022015). Collection method: clinical testing. Allele origin: germline.
Comment: This sequence change falls in intron 13 of the SCN1A gene. It does not directly change the encoded amino acid sequence of the SCN1A protein. This variant is not present in population databases (gnomAD no frequency). This variant has not been reported in the literature in individuals affected with SCN1A-related conditions. ClinVar contains an entry for this variant (Variation ID: 1406358). Algorithms developed to predict the effect of sequence changes on RNA splicing suggest that this variant may disrupt the consensus splice site. In summary, the available evidence is currently insufficient to determine the role of this variant in disease. Therefore, it has been classified as a Variant of Uncertain Significance.